The following is an entry in ClinVar:

NM_000553.6(WRN):c.2231G>A (p.Gly744Glu)

Gene: WRN (WRN RecQ like helicase; plus strand). Cytogenetic location: 8p12.
Variant type: single nucleotide variant.
Coding change: c.2231G>A on transcript NM_000553.6 (MANE Select); coding-DNA position 2231, G replaced by A.
Protein change: p.Gly744Glu; replaces glycine 744 with glutamic acid.
Molecular consequence: missense variant.
Genome position (GRCh38, 1-based): chr8:31,111,757, G>A. VCF-style: chr8-31111757-G-A. GRCh37 (hg19) VCF-style: chr8-30969273-G-A.
Other names: short protein forms G744E.
Identifiers: ClinVar variation 575097 (VCV000575097.8), dbSNP rs368402409, ClinGen allele CA4704675.

ClinVar aggregate classification (germline): Uncertain significance (1 of 4 stars; one submission).

Conditions:
Werner syndrome (WRN). Identifiers: Orphanet 902, MedGen C0043119, MONDO:0010196, OMIM 277700.

Allele frequency attached by ClinVar (database versions not stated): gnomAD exomes below 0.00001 and 0.00001; ExAC 0.00002; TOPMed 0.00006; ESP Exome Variant Server 0.00008; gnomAD 0.00009; 1000 Genomes Project 0.00020; 1000 Genomes Project 30x 0.00031.
gnomAD v4.1: 20 of 1,613,898 alleles (0.0012%); highest among the groups gnomAD compares: African/African-American, 0.023%; no homozygotes.

Submission:

Labcorp Genetics (formerly Invitae), Labcorp
Classification: Uncertain significance for Werner syndrome. Last evaluated: 2024-10-23. Review status: criteria provided, single submitter. Criteria: Invitae Variant Classification Sherloc (09022015). Collection method: clinical testing. Allele origin: germline.
Comment: This sequence change replaces glycine, which is neutral and non-polar, with glutamic acid, which is acidic and polar, at codon 744 of the WRN protein (p.Gly744Glu). This variant is present in population databases (rs368402409, gnomAD 0.02%). This variant has not been reported in the literature in individuals affected with WRN-related conditions. ClinVar contains an entry for this variant (Variation ID: 575097). An algorithm developed to predict the effect of missense changes on protein structure and function (PolyPhen-2) suggests that this variant is likely to be disruptive. In summary, the available evidence is currently insufficient to determine the role of this variant in disease. Therefore, it has been classified as a Variant of Uncertain Significance.